The following is an entry in ClinVar:

ClinVar aggregate classification (germline): Uncertain significance (1 of 4 stars; one submission).

Conditions:
Myofibrillar myopathy 6. Identifiers: Orphanet 199340, MedGen C2751831, MONDO:0013061, OMIM 612954.
Dilated cardiomyopathy 1HH (CMD1HH). Identifiers: Orphanet 154, MedGen C3151293, MONDO:0013479, OMIM 613881.

Allele frequency attached by ClinVar (database versions not stated): gnomAD exomes below 0.00001; TOPMed below 0.00001.
gnomAD v4.1: 1 of 1,614,130 alleles (0.000062%); highest among the groups gnomAD compares: African/African-American, 0.0013%; no homozygotes.

Submission:

Labcorp Genetics (formerly Invitae), Labcorp
Classification: Uncertain significance for Dilated cardiomyopathy 1HH; Myofibrillar myopathy 6. Last evaluated: 2022-10-19. Review status: criteria provided, single submitter. Criteria: Invitae Variant Classification Sherloc (09022015). Collection method: clinical testing. Allele origin: germline.
Comment: In summary, the available evidence is currently insufficient to determine the role of this variant in disease. Therefore, it has been classified as a Variant of Uncertain Significance. Advanced modeling of protein sequence and biophysical properties (such as structural, functional, and spatial information, amino acid conservation, physicochemical variation, residue mobility, and thermodynamic stability) performed at Invitae indicates that this missense variant is not expected to disrupt BAG3 protein function. ClinVar contains an entry for this variant (Variation ID: 1432936). This variant has not been reported in the literature in individuals affected with BAG3-related conditions. This variant is not present in population databases (gnomAD no frequency). This sequence change replaces phenylalanine, which is neutral and non-polar, with leucine, which is neutral and non-polar, at codon 225 of the BAG3 protein (p.Phe225Leu).

NM_004281.4(BAG3):c.673T>C (p.Phe225Leu)

Gene: BAG3 (BAG cochaperone 3; plus strand). Cytogenetic location: 10q26.11.
Variant type: single nucleotide variant.
Coding change: c.673T>C on transcript NM_004281.4 (MANE Select); coding-DNA position 673, T replaced by C.
Protein change: p.Phe225Leu; replaces phenylalanine 225 with leucine.
Molecular consequence: missense variant.
Genome position (GRCh38, 1-based): chr10:119,672,420, T>C. VCF-style: chr10-119672420-T-C. GRCh37 (hg19) VCF-style: chr10-121431932-T-C.
Other names: short protein forms F225L.
Identifiers: ClinVar variation 1432936 (VCV001432936.8), dbSNP rs1847164443, ClinGen allele CA378295556.